The following is an entry in ClinVar:

ClinVar aggregate classification (germline): Uncertain significance. Review status: criteria provided, multiple submitters, no conflicts (2 of 4 stars). 2 submissions from 2 submitters: Uncertain significance (2). Last evaluated 2025-05-29.

Allele frequency attached by ClinVar (database versions not stated): TOPMed 0.00003; 1000 Genomes Project 30x 0.00016; gnomAD exomes 0.00001 and 0.00005; gnomAD 0.00004.
gnomAD v4.1: 16 of 1,440,258 alleles (0.0011%); highest among the groups gnomAD compares: East Asian, 0.017%; no homozygotes.

Submissions (2):

Ambry Genetics
Classification: Uncertain significance. Last evaluated: 2025-05-29. Review status: criteria provided, single submitter. Criteria: Ambry Variant Classification Scheme 2023. Collection method: clinical testing. Allele origin: germline.

Labcorp Genetics (formerly Invitae), Labcorp
Classification: Uncertain significance. Last evaluated: 2022-07-06. Review status: criteria provided, single submitter. Criteria: Invitae Variant Classification Sherloc (09022015). Collection method: clinical testing. Allele origin: germline.
Comment: This variant is present in population databases (no rsID available, gnomAD 0.05%). This sequence change replaces proline, which is neutral and non-polar, with serine, which is neutral and polar, at codon 406 of the SAMD11 protein (p.Pro406Ser). This variant has not been reported in the literature in individuals affected with SAMD11-related conditions. ClinVar contains an entry for this variant (Variation ID: 1024953). Algorithms developed to predict the effect of missense changes on protein structure and function (SIFT, PolyPhen-2, Align-GVGD) all suggest that this variant is likely to be disruptive. In summary, the available evidence is currently insufficient to determine the role of this variant in disease. Therefore, it has been classified as a Variant of Uncertain Significance.

NM_001385641.1(SAMD11):c.1705C>T (p.Pro569Ser)

Gene: SAMD11 (sterile alpha motif domain containing 11; plus strand). Cytogenetic location: 1p36.33.
Variant type: single nucleotide variant.
Coding change: c.1705C>T on transcript NM_001385641.1 (MANE Select); coding-DNA position 1705, C replaced by T.
Protein change: p.Pro569Ser; replaces proline 569 with serine.
Molecular consequence: missense variant.
Genome position (GRCh38, 1-based): chr1:942,710, C>T. VCF-style: chr1-942710-C-T. GRCh37 (hg19) VCF-style: chr1-878090-C-T.
Other names: c.1708C>T, p.Pro570Ser (NM_001385640.1); c.1216C>T, p.Pro406Ser (NM_152486.4); c.1216C>T (NM_152486.2); short protein forms P406S, P569S, P570S.
Identifiers: ClinVar variation 1024953 (VCV001024953.9), dbSNP rs1046219267, ClinGen allele CA16724967.